The following is an entry in ClinVar:

ClinVar aggregate classification (germline): Uncertain significance (1 of 4 stars; one submission).

Conditions:
Ataxia-telangiectasia syndrome (AT). Also called: Ataxia-telangiectasia, complementation group D; AT, COMPLEMENTATION GROUP C; ATAXIA-TELANGIECTASIA, COMPLEMENTATION GROUP A; ATAXIA-TELANGIECTASIA, FRESNO VARIANT; Ataxia-telangiectasia; Ataxia-telangiectasia, complementation group E. Identifiers: Orphanet 100, MedGen C0004135, MONDO:0008840, OMIM 208900.

gnomAD v4.1: 1 of 1,614,016 alleles (0.000062%); highest among the groups gnomAD compares: African/African-American, 0.0013%; no homozygotes.

Submission:

Labcorp Genetics (formerly Invitae), Labcorp
Classification: Uncertain significance for Ataxia-telangiectasia syndrome. Last evaluated: 2024-10-24. Review status: criteria provided, single submitter. Criteria: Invitae Variant Classification Sherloc (09022015). Collection method: clinical testing. Allele origin: germline.
Comment: This sequence change replaces glycine, which is neutral and non-polar, with valine, which is neutral and non-polar, at codon 2786 of the ATM protein (p.Gly2786Val). This variant is not present in population databases (gnomAD no frequency). This variant has not been reported in the literature in individuals affected with ATM-related conditions. Invitae Evidence Modeling of protein sequence and biophysical properties (such as structural, functional, and spatial information, amino acid conservation, physicochemical variation, residue mobility, and thermodynamic stability) indicates that this missense variant is expected to disrupt ATM protein function with a positive predictive value of 95%. In summary, the available evidence is currently insufficient to determine the role of this variant in disease. Therefore, it has been classified as a Variant of Uncertain Significance.

NM_000051.4(ATM):c.8357G>T (p.Gly2786Val)

Genes: ATM (ATM serine/threonine kinase; plus strand), C11orf65 (chromosome 11 open reading frame 65; minus strand). Cytogenetic location: 11q22.3.
Variant type: single nucleotide variant.
Coding change: c.8357G>T on transcript NM_000051.4 (MANE Select); coding-DNA position 8357, G replaced by T.
Protein change: p.Gly2786Val; replaces glycine 2786 with valine.
Molecular consequence: missense variant. On other transcripts: intron variant (2).
Genome position (GRCh38, 1-based): chr11:108,343,310, G>T. VCF-style: chr11-108343310-G-T. GRCh37 (hg19) VCF-style: chr11-108214037-G-T.
Other names: c.8357G>T, p.Gly2786Val (NM_001351834.2); c.641-34239C>A (NM_001330368.2); c.695-8018C>A (NM_001351110.2); short protein forms G2786V.
Identifiers: ClinVar variation 3720486 (VCV003720486.2).